The following is an entry in ClinVar:

ClinVar aggregate classification (germline): Pathogenic (1 of 4 stars; one submission).

Conditions:
Leber congenital amaurosis 1 (LCA1). Also called: Congenital absence of the rods and cones; Leber's congenital tapetoretinal degeneration; Leber's congenital tapetoretinal dysplasia; RETINAL BLINDNESS, CONGENITAL; AMAUROSIS CONGENITA OF LEBER I. Identifiers: Orphanet 65, MedGen C2931258, MONDO:0008764, OMIM 204000.

Submission:

Australian Inherited Retinal Disease Registry & DNA Bank, Sir Charles Gairdner Hospital
Classification: Pathogenic for Leber congenital amaurosis 1. Last evaluated: 2017-11-02. Review status: criteria provided, single submitter. Criteria: ACMG Guidelines, 2015. Collection method: research. Allele origin: germline, maternal. Inheritance: Autosomal recessive inheritance. Affected: yes and no. Observed: 1 heterozygote, 1 homozygote. Segregation with disease observed.

Literature cited by the submitters: PubMed 29178942.

NM_003322.6(TULP1):c.524dup (p.Pro176fs)

Gene: TULP1 (TUB like protein 1; minus strand). Cytogenetic location: 6p21.31.
Variant type: Duplication.
Coding change: c.524dup on transcript NM_003322.6 (MANE Select); coding-DNA position 524, one base duplicated (C; older notation c.524dupC).
Protein change: p.Pro176fs; shifts the reading frame from proline 176.
Molecular consequence: frameshift variant.
Genome position (GRCh38, 1-based): chr6:35,509,904, G duplicated on the plus strand (C on the coding strand, the reverse complement: TULP1 is on the minus strand); the first of 6 consecutive G bases (chr6:35,509,904-35,509,909); duplicating any one gives the same sequence. VCF-style (leftmost placement, unchanged base first): chr6-35509903-T-TG. GRCh37 (hg19) VCF-style: chr6-35477680-T-TG.
Other names: c.365dup, p.Pro123fs (NM_001289395.2); short protein forms P176fs, P123fs.
Identifiers: ClinVar variation 547179 (VCV000547179.2), dbSNP rs1327062642, ClinGen allele CA566489923.
Genomic context (GRCh38, chr6:35,509,903, plus strand): 5'-TCTCATCTTGGTCCCCTCCCCTGCTGGAGCTTCCTTATTCCTAACACGCAGAGGTTTCGG[T>TG]GGGGGGTCAGGGCTTCCCAGGTCTCCTGGAAATGGAAGATGGGGGTCAGGCAAAGAAGGT-3'